The following is an entry in ClinVar:

NM_145059.3(FCSK):c.1069-3C>T

Gene: FCSK (fucose kinase; plus strand). Cytogenetic location: 16q22.1.
Variant type: single nucleotide variant.
Coding change: c.1069-3C>T on transcript NM_145059.3 (MANE Select); 3 bases into the intron before coding-DNA position 1069, C replaced by T.
Molecular consequence: intron variant.
Genome position (GRCh38, 1-based): chr16:70,470,968, C>T. VCF-style: chr16-70470968-C-T. GRCh37 (hg19) VCF-style: chr16-70504871-C-T.
Identifiers: ClinVar variation 3671797 (VCV003671797.2).

ClinVar aggregate classification (germline): Uncertain significance (1 of 4 stars; one submission).

Submission:

Labcorp Genetics (formerly Invitae), Labcorp
Classification: Uncertain significance. Last evaluated: 2024-10-22. Review status: criteria provided, single submitter. Criteria: Invitae Variant Classification Sherloc (09022015). Collection method: clinical testing. Allele origin: germline.
Comment: This sequence change falls in intron 11 of the FUK gene. It does not directly change the encoded amino acid sequence of the FUK protein. It affects a nucleotide within the consensus splice site. This variant is not present in population databases (gnomAD no frequency). This variant has not been reported in the literature in individuals affected with FUK-related conditions. Variants that disrupt the consensus splice site are a relatively common cause of aberrant splicing (PMID: 17576681, 9536098). Algorithms developed to predict the effect of sequence changes on RNA splicing suggest that this variant is not likely to affect RNA splicing. In summary, the available evidence is currently insufficient to determine the role of this variant in disease. Therefore, it has been classified as a Variant of Uncertain Significance.

Literature cited by the submitters: PubMed 17576681; PubMed 9536098.